The following is an entry in ClinVar:

ClinVar aggregate classification (germline): Uncertain significance (1 of 4 stars; one submission).

gnomAD v4.1: 1 of 1,613,756 alleles (0.000062%); highest among the groups gnomAD compares: Non-Finnish European, 0.000085%; no homozygotes.

Submission:

Dasa
Classification: Uncertain significance. Last evaluated: 2025-12-29. Review status: criteria provided, single submitter. Criteria: DASA Assertion Criteria. Collection method: clinical testing. Allele origin: germline.
Comment: NM_001382241.1(TNPO2):c.1354C>T (p.Arg452Cys) is a missense variant that results in the substitution of arginine with cysteine. This variant is rare in population databases. Computational prediction algorithms are consistent with a deleterious effect. The currently available literature and clinical evidence are not sufficient to establish a definitive association between this variant and the reported condition. Therefore, this variant is classified as a variant of uncertain significance.

NM_001382241.1(TNPO2):c.1354C>T (p.Arg452Cys)

Gene: TNPO2 (transportin 2; minus strand). Cytogenetic location: 19p13.13.
Variant type: single nucleotide variant.
Coding change: c.1354C>T on transcript NM_001382241.1 (MANE Select); coding-DNA position 1354, C replaced by T.
Protein change: p.Arg452Cys; replaces arginine 452 with cysteine.
Molecular consequence: missense variant. On other transcripts: non-coding transcript variant (6).
Genome position (GRCh38, 1-based): chr19:12,706,712, G>A on the plus strand (C>T on the coding strand, the complement: TNPO2 is on the minus strand). VCF-style: chr19-12706712-G-A. GRCh37 (hg19) VCF-style: chr19-12817526-G-A.
Other names: c.1354C>T, p.Arg452Cys (NM_001136195.2, NM_001136196.2, NM_001382236.1 and 7 more transcripts); short protein forms R452C.
Identifiers: ClinVar variation 4886105 (VCV004886105.2).